The following is an entry in ClinVar:

ClinVar aggregate classification (germline): Likely pathogenic (1 of 4 stars; one submission).

Submission:

GeneDx
Classification: Likely pathogenic. Last evaluated: 2017-03-31. Review status: criteria provided, single submitter. Criteria: GeneDx Variant Classification (06012015). Collection method: clinical testing. Allele origin: germline. Affected: yes.
Comment: The G248S variant in the WDR19 gene has not been reported previously as a pathogenic variant, nor as a benign variant, to our knowledge. The G248S variant is not observed in large population cohorts (Lek et al., 2016; 1000 Genomes Consortium et al., 2015; Exome Variant Server). The G248S variant is a non-conservative amino acid substitution, which is likely to impact secondary protein structure as these residues differ in polarity, charge, size and/or other properties. Additionally, this substitution occurs at a position that is conserved across species and in silico analysis predicts this variant is probably damaging to the protein structure/function. Therefore, we interpret G248S as a likely pathogenic variant.

NM_025132.4(WDR19):c.742G>A (p.Gly248Ser)

Gene: WDR19 (WD repeat domain 19; plus strand). Cytogenetic location: 4p14.
Variant type: single nucleotide variant.
Coding change: c.742G>A on transcript NM_025132.4 (MANE Select); coding-DNA position 742, G replaced by A.
Protein change: p.Gly248Ser; replaces glycine 248 with serine.
Molecular consequence: missense variant.
Genome position (GRCh38, 1-based): chr4:39,205,588, G>A. VCF-style: chr4-39205588-G-A. GRCh37 (hg19) VCF-style: chr4-39207208-G-A.
Other names: c.262G>A, p.Gly88Ser (NM_001317924.2); short protein forms G248S, G88S.
Identifiers: ClinVar variation 424471 (VCV000424471.2), dbSNP rs1064796985, ClinGen allele CA16618045.